The following is an entry in ClinVar:

ClinVar aggregate classification (germline): Likely benign (1 of 4 stars; one submission).

Conditions:
NTN1-related disorder. Also called: NTN1-related condition.

gnomAD v4.1: 230 of 1,613,482 alleles (0.014%); highest among the groups gnomAD compares: South Asian, 0.08%; no homozygotes.

Submission:

PreventionGenetics, part of Exact Sciences
Classification: Likely benign for NTN1-related condition. Last evaluated: 2025-10-28. Review status: criteria provided, single submitter. Criteria: ACMG Guidelines, 2015. Collection method: clinical testing. Allele origin: germline.
Comment: This variant is classified as likely benign based on ACMG/AMP sequence variant interpretation guidelines (Richards et al. 2015 PMID: 25741868, with internal and published modifications).

NM_004822.3(NTN1):c.1466A>G (p.Lys489Arg)

Genes: NTN1 (netrin 1; plus strand), LOC126862487 (BRD4-independent group 4 enhancer GRCh37_chr17:9124521-9125720; plus strand). Cytogenetic location: 17p13.1.
Variant type: single nucleotide variant.
Coding change: c.1466A>G on transcript NM_004822.3 (MANE Select); coding-DNA position 1466, A replaced by G.
Protein change: p.Lys489Arg; replaces lysine 489 with arginine.
Molecular consequence: missense variant.
Genome position (GRCh38, 1-based): chr17:9,221,222, A>G. VCF-style: chr17-9221222-A-G. GRCh37 (hg19) VCF-style: chr17-9124539-A-G.
Other names: short protein forms K489R.
Identifiers: ClinVar variation 4983536 (VCV004983536.1).
Genomic context (GRCh38, chr17:9,221,222, plus strand): 5'-CTGCAGACTGCGATTCCTACTGCAAGGCCTCCAAGGGGAAGCTGAAGATTAACATGAAAA[A>G]GTACTGCAAGAAGGACTATGGTGAGTGAGAGTCCCCTTGTCTGGGGAGGATGGGAGGGGG-3'
Protein context (NP_004813.2, residues 479-499): SKGKLKINMK[Lys489Arg]YCKKDYAVQI